The following is an entry in ClinVar:

ClinVar aggregate classification (germline): Uncertain significance. Review status: criteria provided, multiple submitters, no conflicts (2 of 4 stars). 2 submissions from 2 submitters: Uncertain significance (2). Last evaluated 2025-01-10.

Allele frequency attached by ClinVar (database versions not stated): TOPMed below 0.00001.

Submissions (2):

Ambry Genetics
Classification: Uncertain significance. Last evaluated: 2025-01-10. Review status: criteria provided, single submitter. Criteria: Ambry Variant Classification Scheme 2023. Collection method: clinical testing. Allele origin: germline.
Comment: The p.M820V variant (also known as c.2458A>G), located in coding exon 13 of the GEN1 gene, results from an A to G substitution at nucleotide position 2458. The methionine at codon 820 is replaced by valine, an amino acid with highly similar properties. This amino acid position is conserved. In addition, this alteration is predicted to be tolerated by in silico analysis. Based on the available evidence, the clinical significance of this variant remains unclear.

Labcorp Genetics (formerly Invitae), Labcorp
Classification: Uncertain significance. Last evaluated: 2021-09-17. Review status: criteria provided, single submitter. Criteria: Invitae Variant Classification Sherloc (09022015). Collection method: clinical testing. Allele origin: germline.
Comment: In summary, the available evidence is currently insufficient to determine the role of this variant in disease. Therefore, it has been classified as a Variant of Uncertain Significance. Algorithms developed to predict the effect of missense changes on protein structure and function output the following: SIFT: "Tolerated"; PolyPhen-2: "Benign"; Align-GVGD: "Class C0". The valine amino acid residue is found in multiple mammalian species, which suggests that this missense change does not adversely affect protein function. This variant has not been reported in the literature in individuals affected with GEN1-related conditions. This variant is not present in population databases (ExAC no frequency). This sequence change replaces methionine with valine at codon 820 of the GEN1 protein (p.Met820Val). The methionine residue is weakly conserved and there is a small physicochemical difference between methionine and valine.

NM_001130009.3(GEN1):c.2458A>G (p.Met820Val)

Gene: GEN1 (GEN1 structure-specific endonuclease; plus strand). Cytogenetic location: 2p24.2.
Variant type: single nucleotide variant.
Coding change: c.2458A>G on transcript NM_001130009.3 (MANE Select); coding-DNA position 2458, A replaced by G.
Protein change: p.Met820Val; replaces methionine 820 with valine.
Molecular consequence: missense variant.
Genome position (GRCh38, 1-based): chr2:17,781,670, A>G. VCF-style: chr2-17781670-A-G. GRCh37 (hg19) VCF-style: chr2-17962937-A-G.
Other names: c.2458A>G (NM_001130009.1); c.2458A>G, p.Met820Val (NM_182625.5); short protein forms M820V.
Identifiers: ClinVar variation 1406879 (VCV001406879.7), dbSNP rs760129776, ClinGen allele CA345928087.